The following is an entry in ClinVar:

NM_023110.3(FGFR1):c.1721A>G (p.Gln574Arg)

Gene: FGFR1 (fibroblast growth factor receptor 1; minus strand). Cytogenetic location: 8p11.23.
Variant type: single nucleotide variant.
Coding change: c.1721A>G on transcript NM_023110.3 (MANE Select); coding-DNA position 1721, A replaced by G.
Protein change: p.Gln574Arg; replaces glutamine 574 with arginine.
Molecular consequence: missense variant.
Genome position (GRCh38, 1-based): chr8:38,416,003, T>C on the plus strand (A>G on the coding strand, the complement: FGFR1 is on the minus strand). VCF-style: chr8-38416003-T-C. GRCh37 (hg19) VCF-style: chr8-38273521-T-C.
Other names: c.1715A>G, p.Gln572Arg (NM_001174063.2, NM_001174065.2, NM_001354367.2 and 1 more transcripts); c.1691A>G, p.Gln564Arg (NM_001174064.2); c.1454A>G, p.Gln485Arg (NM_001174066.2, NM_023105.3); c.1814A>G, p.Gln605Arg (NM_001174067.2); c.1442A>G, p.Gln481Arg (NM_001354368.2); c.1709A>G, p.Gln570Arg (NM_001354369.2); c.1448A>G, p.Gln483Arg (NM_001354370.2, NM_023106.3); short protein forms Q564R, Q605R, Q572R, Q481R, Q570R, Q574R, Q483R, Q485R.
Identifiers: ClinVar variation 1437922 (VCV001437922.8), dbSNP rs903239767, ClinGen allele CA175139925.

ClinVar aggregate classification (germline): Uncertain significance (1 of 4 stars; one submission).

Conditions:
Pfeiffer syndrome (ACS5). Also called: ACS V. Identifiers: Orphanet 710, MedGen C0220658, MONDO:0007043, OMIM 101600.
Hypogonadotropic hypogonadism 2 with or without anosmia (HH2). Also called: FGFR1-Related GnRH Deficiency (Kallmann Syndrome 2); HYPOGONADOTROPIC HYPOGONADISM 2 WITH OR WITHOUT ANOSMIA, SUSCEPTIBILITY TO; HYPOGONADOTROPIC HYPOGONADISM 2 WITHOUT ANOSMIA, SUSCEPTIBILITY TO; HYPOGONADOTROPIC HYPOGONADISM 2 WITHOUT ANOSMIA. Identifiers: Orphanet 478, MedGen C1563720, MONDO:0007844, OMIM 147950. Disease mechanism: loss of function.

Allele frequency attached by ClinVar (database versions not stated): gnomAD exomes below 0.00001; gnomAD 0.00001 and 0.00002; TOPMed 0.00003.
gnomAD v4.1: 9 of 1,613,836 alleles (0.00056%); highest among the groups gnomAD compares: Non-Finnish European, 0.00076%; no homozygotes.

Submission:

Labcorp Genetics (formerly Invitae), Labcorp
Classification: Uncertain significance for Pfeiffer syndrome; Hypogonadotropic hypogonadism 2 with or without anosmia. Last evaluated: 2021-06-22. Review status: criteria provided, single submitter. Criteria: Invitae Variant Classification Sherloc (09022015). Collection method: clinical testing. Allele origin: germline.
Comment: This sequence change replaces glutamine with arginine at codon 574 of the FGFR1 protein (p.Gln574Arg). The glutamine residue is moderately conserved and there is a small physicochemical difference between glutamine and arginine. This variant is not present in population databases (ExAC no frequency). This variant has not been reported in the literature in individuals with FGFR1-related conditions. Algorithms developed to predict the effect of missense changes on protein structure and function (SIFT, PolyPhen-2, Align-GVGD) all suggest that this variant is likely to be tolerated, but these predictions have not been confirmed by published functional studies and their clinical significance is uncertain. In summary, the available evidence is currently insufficient to determine the role of this variant in disease. Therefore, it has been classified as a Variant of Uncertain Significance.